The following is an entry in ClinVar:

ClinVar aggregate classification (germline): Uncertain significance (1 of 4 stars; one submission).

Submission:

Labcorp Genetics (formerly Invitae), Labcorp
Classification: Uncertain significance. Last evaluated: 2023-05-22. Review status: criteria provided, single submitter. Criteria: Invitae Variant Classification Sherloc (09022015). Collection method: clinical testing. Allele origin: germline.
Comment: In summary, the available evidence is currently insufficient to determine the role of this variant in disease. Therefore, it has been classified as a Variant of Uncertain Significance. Experimental studies and prediction algorithms are not available or were not evaluated, and the functional significance of this variant is currently unknown. ClinVar contains an entry for this variant (Variation ID: 1380111). This variant has not been reported in the literature in individuals affected with EFL1-related conditions. Information on the frequency of this variant in the gnomAD database is not available, as this variant may be reported differently in the database. This variant, c.1434_1435delinsCA, is a complex sequence change that results in the deletion of 2 and insertion of 2 amino acid(s) in the EFL1 protein (p.Glu478_Glu479delinsAspLys).

NM_024580.6(EFL1):c.1434_1435delinsCA (p.Glu478_Glu479delinsAspLys)

Gene: EFL1 (elongation factor like GTPase 1; minus strand). Cytogenetic location: 15q25.2.
Variant type: Indel.
Coding change: c.1434_1435delinsCA on transcript NM_024580.6 (MANE Select); coding-DNA positions 1434 to 1435, GG replaced by CA.
Protein change: p.Glu478_Glu479delinsAspLys.
Molecular consequence: missense variant. On other transcripts: non-coding transcript variant (1).
Genome position (GRCh38, 1-based): chr15:82,220,087-82,220,088, CC replaced by TG on the plus strand (GG replaced by CA on the coding strand, the reverse complement: EFL1 is on the minus strand). VCF-style: chr15-82220087-CC-TG. GRCh37 (hg19) VCF-style: chr15-82512428-CC-TG.
Other names: c.1281_1282delinsCA, p.Glu427_Glu428delinsAspLys (NM_001040610.3); c.645_646delinsCA, p.Glu215_Glu216delinsAspLys (NM_001322844.2); c.1434_1435delinsCA, p.Glu478_Glu479delinsAspLys (NM_001322845.2).
Identifiers: ClinVar variation 1380111 (VCV001380111.6), dbSNP rs2141303024, ClinGen allele CA2573151222.
Genomic context (GRCh38, chr15:82,220,087, plus strand): 5'-TAAGCAAAAAGGCAAATACTTTGCAACAGAGCCTACTTAGGAAAGCTATACCTCTTGGCT[CC>TG]TCTCCTTTTGGACATGTTTCAATGGCACTCCCATCTTGGGTGGGCTCCAAGGGTGCCTGT-3'